The following is an entry in ClinVar:

ClinVar aggregate classification (germline): Benign. Review status: criteria provided, multiple submitters, no conflicts (2 of 4 stars). 3 submissions from 3 submitters: Benign (2). 1 of the submissions does not count toward it. Last evaluated 2019-12-31.

Conditions:
SLC24A4-related disorder. Also called: SLC24A4-related condition.

Allele frequency attached by ClinVar (database versions not stated): TOPMed 0.00297; 1000 Genomes Project 0.00339; 1000 Genomes Project 30x 0.00344.
gnomAD v4.1: 810 of 1,611,396 alleles (0.05%); highest among the groups gnomAD compares: African/African-American, 0.95%; 2 homozygotes.

Submissions (3):

Labcorp Genetics (formerly Invitae), Labcorp
Classification: Benign. Last evaluated: 2019-12-31. Review status: criteria provided, single submitter. Criteria: Invitae Variant Classification Sherloc (09022015). Collection method: clinical testing. Allele origin: germline.

Breakthrough Genomics
Classification: Benign. Review status: criteria provided, single submitter. Criteria: ACMG Guidelines, 2015. Collection method: not provided. Allele origin: germline. Inheritance: Autosomal recessive inheritance. Affected: yes.

PreventionGenetics, part of Exact Sciences
Classification: Benign for SLC24A4-related condition. Last evaluated: 2019-05-07. Review status: no assertion criteria provided. Collection method: clinical testing. Allele origin: germline. Not counted in ClinVar's aggregate classification.
Comment: This variant is classified as benign based on ACMG/AMP sequence variant interpretation guidelines (Richards et al. 2015 PMID: 25741868, with internal and published modifications).

NM_153646.4(SLC24A4):c.108G>A (p.Ala36=)

Gene: SLC24A4 (solute carrier family 24 member 4; plus strand). Cytogenetic location: 14q32.12.
Variant type: single nucleotide variant.
Coding change: c.108G>A on transcript NM_153646.4 (MANE Select); coding-DNA position 108, G replaced by A.
Protein change: p.Ala36=; no amino-acid change (alanine 36 retained).
Molecular consequence: synonymous variant. On other transcripts: intron variant (1).
Genome position (GRCh38, 1-based): chr14:92,323,938, G>A. VCF-style: chr14-92323938-G-A. GRCh37 (hg19) VCF-style: chr14-92790282-G-A.
Other names: c.108G>A, p.Ala36= (NM_001378620.1, NM_153647.4); c.-63+1303G>A (NM_153648.4).
Identifiers: ClinVar variation 731783 (VCV000731783.7), dbSNP rs149248445, ClinGen allele CA7315576.